The following is an entry in ClinVar:

NM_016341.4(PLCE1):c.4389+4A>G

Gene: PLCE1 (phospholipase C epsilon 1; plus strand). Cytogenetic location: 10q23.33.
Variant type: single nucleotide variant.
Coding change: c.4389+4A>G on transcript NM_016341.4 (MANE Select); 4 bases into the intron after coding-DNA position 4389, A replaced by G.
Molecular consequence: intron variant.
Genome position (GRCh38, 1-based): chr10:94,269,040, A>G. VCF-style: chr10-94269040-A-G. GRCh37 (hg19) VCF-style: chr10-96028797-A-G.
Other names: c.4341+4A>G (NM_001288989.2); c.3465+4A>G (NM_001165979.2).
Identifiers: ClinVar variation 3348071 (VCV003348071.1).
Genomic context (GRCh38, chr10:94,269,040, plus strand): 5'-GATGGGATGCCCATCATTTATCATGGACATACGCTGACAACCAAGATCCCCTTCAAGGTA[A>G]TCCTTCATAACTTTCTTTAAATCAAATCACAAAGAGACATTATCTTCATTTGTCTTTTTT-3'

ClinVar aggregate classification (germline): Likely benign (0 of 4 stars; one submission).

Conditions:
PLCE1-related disorder. Also called: PLCE1-related condition.

Submission:

PreventionGenetics, part of Exact Sciences
Classification: Likely benign for PLCE1-related condition. Last evaluated: 2024-05-19. Review status: no assertion criteria provided. Collection method: clinical testing. Allele origin: germline.
Comment: This variant is classified as likely benign based on ACMG/AMP sequence variant interpretation guidelines (Richards et al. 2015 PMID: 25741868, with internal and published modifications).